The following is an entry in ClinVar:

ClinVar aggregate classification (germline): Uncertain significance (1 of 4 stars; one submission).

Submission:

Women's Health and Genetics/Laboratory Corporation of America, LabCorp
Classification: Uncertain significance. Last evaluated: 2024-10-09. Review status: criteria provided, single submitter. Criteria: LabCorp Variant Classification Summary - May 2015. Collection method: clinical testing. Allele origin: germline.
Comment: Variant summary: NCDN c.115T>C (p.Tyr39His) results in a conservative amino acid change in the encoded protein sequence. Three of five in-silico tools predict a benign effect of the variant on protein function. The variant was absent in 251370 control chromosomes. The available data on variant occurrences in the general population are insufficient to allow any conclusion about variant significance. To our knowledge, no occurrence of c.115T>C in individuals affected with Neurodevelopmental Disorder With Infantile Epileptic Spasms and no experimental evidence demonstrating its impact on protein function have been reported. No submitters have cited clinical-significance assessments for this variant to ClinVar. Based on the evidence outlined above, the variant was classified as uncertain significance.

NM_014284.3(NCDN):c.115T>C (p.Tyr39His)

Gene: NCDN (neurochondrin; plus strand). Cytogenetic location: 1p34.3.
Variant type: single nucleotide variant.
Coding change: c.115T>C on transcript NM_014284.3 (MANE Select); coding-DNA position 115, T replaced by C.
Protein change: p.Tyr39His; replaces tyrosine 39 with histidine.
Molecular consequence: missense variant.
Genome position (GRCh38, 1-based): chr1:35,559,188, T>C. VCF-style: chr1-35559188-T-C. GRCh37 (hg19) VCF-style: chr1-36024789-T-C.
Other names: c.115T>C, p.Tyr39His (NM_001014839.2); c.64T>C, p.Tyr22His (NM_001014841.2); short protein forms Y22H, Y39H.
Identifiers: ClinVar variation 3384793 (VCV003384793.1).